The following is an entry in ClinVar:

NM_001378609.3(OTOGL):c.1402G>T (p.Val468Phe)

Gene: OTOGL (otogelin like; plus strand). Cytogenetic location: 12q21.31.
Variant type: single nucleotide variant.
Coding change: c.1402G>T on transcript NM_001378609.3 (MANE Select); coding-DNA position 1402, G replaced by T.
Protein change: p.Val468Phe; replaces valine 468 with phenylalanine.
Molecular consequence: missense variant.
Genome position (GRCh38, 1-based): chr12:80,254,531, G>T. VCF-style: chr12-80254531-G-T. GRCh37 (hg19) VCF-style: chr12-80648311-G-T.
Other names: c.1402G>T, p.Val468Phe (NM_001368062.3, NM_001378610.3, NM_173591.7); short protein forms V468F.
Identifiers: ClinVar variation 1700845 (VCV001700845.2), dbSNP rs750128612, ClinGen allele CA385853114.

ClinVar aggregate classification (germline): Uncertain significance (1 of 4 stars; one submission).

Submission:

GeneDx
Classification: Uncertain significance. Last evaluated: 2022-02-09. Review status: criteria provided, single submitter. Criteria: GeneDx Variant Classification Process June 2021. Collection method: clinical testing. Allele origin: germline. Affected: yes.
Comment: Not observed at significant frequency in large population cohorts (gnomAD); In silico analysis supports that this missense variant has a deleterious effect on protein structure/function; Has not been previously published as pathogenic or benign to our knowledge